The following is an entry in ClinVar:

NM_001399.5(EDA):c.850T>C (p.Phe284Leu)

Gene: EDA (ectodysplasin A; plus strand). Cytogenetic location: Xq13.1.
Variant type: single nucleotide variant.
Coding change: c.850T>C on transcript NM_001399.5 (MANE Select); coding-DNA position 850, T replaced by C.
Protein change: p.Phe284Leu; replaces phenylalanine 284 with leucine.
Molecular consequence: missense variant.
Genome position (GRCh38, 1-based): chrX:70,033,454, T>C. VCF-style: chrX-70033454-T-C. GRCh37 (hg19) VCF-style: chrX-69253304-T-C.
Other names: c.850T>C, p.Phe284Leu (NM_001005609.2); c.841T>C, p.Phe281Leu (NM_001005612.3); short protein forms F281L, F284L.
Identifiers: ClinVar variation 3645326 (VCV003645326.2).

ClinVar aggregate classification (germline): Pathogenic (1 of 4 stars; one submission).

Conditions:
Hypohidrotic X-linked ectodermal dysplasia (XHED). Also called: ECTODERMAL DYSPLASIA, HYPOHIDROTIC, 1; CST SYNDROME; Ectodermal Dysplasia 1, Anhidrotic; Christ-Siemans-Touraine syndrome; ECTODERMAL DYSPLASIA 1; Anhidrotic ectodermal dysplasia X-linked. Identifiers: Orphanet 181, Orphanet 238468, MedGen C0162359, MONDO:0010585, OMIM 305100.

Submission:

Labcorp Genetics (formerly Invitae), Labcorp
Classification: Pathogenic for Hypohidrotic X-linked ectodermal dysplasia. Last evaluated: 2024-08-21. Review status: criteria provided, single submitter. Criteria: Invitae Variant Classification Sherloc (09022015). Collection method: clinical testing. Allele origin: germline.
Comment: This sequence change replaces phenylalanine, which is neutral and non-polar, with leucine, which is neutral and non-polar, at codon 284 of the EDA protein (p.Phe284Leu). This variant is not present in population databases (gnomAD no frequency). This missense change has been observed in individual(s) with ectodermal dysplasia (PMID: 26411740; internal data). In at least one individual the variant was observed to be de novo. Invitae Evidence Modeling of protein sequence and biophysical properties (such as structural, functional, and spatial information, amino acid conservation, physicochemical variation, residue mobility, and thermodynamic stability) indicates that this missense variant is expected to disrupt EDA protein function with a positive predictive value of 95%. For these reasons, this variant has been classified as Pathogenic.

Literature cited by the submitters: PubMed 26411740.